The following is an entry in ClinVar:

ClinVar aggregate classification (germline): Likely benign (1 of 4 stars; one submission).

Submission:

CeGaT Center for Human Genetics Tuebingen
Classification: Likely benign. Last evaluated: 2025-07-01. Review status: criteria provided, single submitter. Criteria: CeGaT Center For Human Genetics Tuebingen Variant Classification Criteria Version 2. Collection method: clinical testing. Allele origin: germline. Affected: yes. Observed: 1 variant allele.
Comment: ZNF254: PM2:Supporting, BP4, BP7

NM_203282.4(ZNF254):c.1302C>T (p.Tyr434=)

Gene: ZNF254 (zinc finger protein 254; plus strand). Cytogenetic location: 19p12.
Variant type: single nucleotide variant.
Coding change: c.1302C>T on transcript NM_203282.4 (MANE Select); coding-DNA position 1302, C replaced by T.
Protein change: p.Tyr434=; no amino-acid change (tyrosine 434 retained).
Molecular consequence: synonymous variant.
Genome position (GRCh38, 1-based): chr19:24,127,302, C>T. VCF-style: chr19-24127302-C-T. GRCh37 (hg19) VCF-style: chr19-24310104-C-T.
Other names: c.1179C>T, p.Tyr393= (NM_001278661.2, NM_001278662.2, NM_001278677.2); c.1047C>T, p.Tyr349= (NM_001278663.2, NM_001278678.2); c.1083C>T, p.Tyr361= (NM_001278664.2).
Identifiers: ClinVar variation 4084947 (VCV004084947.8).
Genomic context (GRCh38, chr19:24,127,302, plus strand): 5'-TTTTAATCGATCTTCAAATCTTACTACACATAAGATAATTCATACTGGAGAGAAACCTTA[C>T]AAGTGTGAAGAATGTGGCAAAGCATTTATCTGGTCCTCAACCCTTACTAAACATAAGAGA-3'
Protein context (NP_975011.3, residues 424-444): HKIIHTGEKP[Tyr434=]KCEECGKAFI